The following is an entry in ClinVar:

ClinVar aggregate classification (germline): Pathogenic/Likely pathogenic. Review status: criteria provided, multiple submitters, no conflicts (2 of 4 stars). 10 submissions from 10 submitters: Pathogenic (4); Likely pathogenic (6). Last evaluated 2026-01-12.

Conditions:
COL6A3-related disorder. Also called: COL6A3-related disorders; COL6A3-related condition.
Collagen 6-related myopathy. Identifiers: MedGen CN117976, MONDO:0100225.
Bethlem myopathy 1A. Also called: Bethlem myopathy 1; Bethlem Muscular Dystrophy; MYOPATHY, BENIGN CONGENITAL, WITH CONTRACTURES. Identifiers: Orphanet 610, MedGen CN029274, MONDO:0024530, OMIM 158810.

Submissions (10):

Labcorp Genetics (formerly Invitae), Labcorp
Classification: Pathogenic for Bethlem myopathy 1A. Last evaluated: 2026-01-12. Review status: criteria provided, single submitter. Criteria: Invitae Variant Classification Sherloc (09022015). Collection method: clinical testing. Allele origin: germline.
Comment: This sequence change creates a premature translational stop signal (p.Gly254Glufs*13) in the COL6A3 gene. It is expected to result in an absent or disrupted protein product. Loss-of-function variants in COL6A3 are known to be pathogenic (PMID: 26004199). This variant is present in population databases (rs780921503, gnomAD 0.02%). This variant has not been reported in the literature in individuals affected with COL6A3-related conditions. ClinVar contains an entry for this variant (Variation ID: 286745). For these reasons, this variant has been classified as Pathogenic.

GeneDx
Classification: Likely pathogenic. Last evaluated: 2026-01-05. Review status: criteria provided, single submitter. Criteria: GeneDx Variant Classification Process June 2021. Collection method: clinical testing. Allele origin: germline. Affected: yes.
Comment: Frameshift variant predicted to result in protein truncation or nonsense mediated decay in a gene for which loss of function is a known mechanism of disease; This variant is associated with the following publications: (PMID: 30564623, 33726816, 34662886, 39333430)

PreventionGenetics, part of Exact Sciences
Classification: Pathogenic for COL6A3-related condition. Last evaluated: 2025-09-29. Review status: criteria provided, single submitter. Criteria: ACMG Guidelines, 2015. Collection method: clinical testing. Allele origin: germline.
Comment: The COL6A3 c.761delG variant is predicted to result in a frameshift and premature protein termination (p.Gly254Glufs*13). This variant was reported in an individual from a rare disease cohort, but clinical features were not reported (Table S7 in Stranneheim et al. 2021. PubMed ID: 33726816). This variant is reported in 0.024% of alleles in individuals of European (Finnish) descent in gnomAD and has been classified as pathogenic and likely pathogenic by multiple submitters in ClinVar (ID: 286745). Frameshift variants in COL6A3 are expected to be pathogenic. This variant is interpreted as pathogenic.

Revvity Omics, Revvity
Classification: Likely pathogenic. Last evaluated: 2024-10-24. Review status: criteria provided, single submitter. Criteria: ACMG Guidelines, 2015. Collection method: clinical testing. Allele origin: germline.

Greenwood Genetic Center Diagnostic Laboratories, Greenwood Genetic Center
Classification: Likely pathogenic for COL6A3-related disorder. Last evaluated: 2024-10-03. Review status: criteria provided, single submitter. Criteria: ACMG Guidelines, 2015. Collection method: clinical testing. Allele origin: germline. Affected: yes.
Comment: PVS1, PM2

Victorian Clinical Genetics Services, Murdoch Childrens Research Institute
Classification: Pathogenic for Collagen 6-related myopathy. Last evaluated: 2022-02-02. Review status: criteria provided, single submitter. Criteria: ACMG Guidelines, 2015. Collection method: clinical testing. Allele origin: germline. Inheritance: Autosomal recessive inheritance.
Comment: Based on the classification scheme VCGS_Germline_v1.3.4, this variant is classified as Pathogenic. Following criteria are met: 0103 - Dominant negative and loss of function are known mechanisms of disease in this gene. Dominant negative is associated with autosomal dominant disease due to missense variants affecting a glycine residue within a Gly-X-Y triple helical repeat, while loss of function is associated with recessive disease due to other missense and protein-truncating variants (OMIM, PMID: 20301676). (I) 0108 - This gene is associated with both recessive and dominant disease. This gene is associated with autosomal recessive dystonia 27 (MIM#616411), and autosomal recessive and dominant Bethlem myopathy 1 (MIM#158810) and Ullrich congenital muscular dystrophy 1 (MIM#254090) (OMIM). (I) 0201 - Variant is predicted to cause nonsense-mediated decay (NMD) and loss of protein (premature termination codon is located at least 54 nucleotides upstream of the final exon-exon junction). (SP) 0251 - This variant is heterozygous. (I) 0304 - Variant is present in gnomAD (v2) <0.01 for a recessive condition (31 heterozygotes, 0 homozygotes). (SP) 0701 - Other NMD-predicted variants comparable to the one identified in this case have very strong previous evidence for pathogenicity. These variants have been reported multiple times as pathogenic, and reported in individuals with Bethlem myopathy 1 (MIM#158810) or Ullrich congenital muscular dystrophy 1 (MIM#254090) (DECIPHER, PMID: 20976770). (SP) 0803 - This variant has limited previous evidence of pathogenicity in unrelated individuals. This variant has been reported as pathogenic and likely pathogenic (ClinVar, LOVD). (SP) 0905 - No published segregation evidence has been identified for this variant. (I) 1007 - No published functional evidence has been identified for this variant. (I) 1208 - Inheritance information for this variant is not currently available in this individual. (I) Legend: (SP) - Supporting pathogenic, (I) - Information, (SB) - Supporting benign

CeGaT Center for Human Genetics Tuebingen
Classification: Likely pathogenic. Last evaluated: 2021-05-01. Review status: criteria provided, single submitter. Criteria: CeGaT Center For Human Genetics Tuebingen Variant Classification Criteria Version 2. Collection method: clinical testing. Allele origin: germline. Affected: yes. Observed: 1 variant allele.

New York Genome Center
Classification: Likely pathogenic. Last evaluated: 2020-05-31. Review status: criteria provided, single submitter. Criteria: NYGC Assertion Criteria 2020. Collection method: clinical testing. Allele origin: inherited. Observed: 1 heterozygote. Study: CSER-NYCKidSeq.

Clinical Genetics and Genomics, Karolinska University Hospital
Classification: Likely pathogenic. Last evaluated: 2017-07-24. Review status: criteria provided, single submitter. Criteria: ACMG Guidelines, 2015. Collection method: clinical testing. Allele origin: germline. Affected: yes. Observed: 2 variant alleles.

Eurofins Ntd Llc (ga)
Classification: Pathogenic. Last evaluated: 2016-03-16. Review status: criteria provided, single submitter. Criteria: EGL Classification Definitions 2015. Collection method: clinical testing. Allele origin: germline. Observed: 2 variant alleles, 2 heterozygotes.

Literature cited by the submitters: PubMed 26004199 (cited by Labcorp Genetics (formerly Invitae), Labcorp); PubMed 20301676 (cited by Victorian Clinical Genetics Services, Murdoch Childrens Research Institute); PubMed 20976770 (cited by Victorian Clinical Genetics Services, Murdoch Childrens Research Institute).

NM_004369.4(COL6A3):c.761del (p.Gly254fs)

Gene: COL6A3 (collagen type VI alpha 3 chain; minus strand). Cytogenetic location: 2q37.3.
Variant type: Deletion.
Coding change: c.761del on transcript NM_004369.4 (MANE Select); coding-DNA position 761, one base deleted (G; older notation c.761delG).
Protein change: p.Gly254fs; shifts the reading frame from glycine 254.
Molecular consequence: frameshift variant. On other transcripts: intron variant (2).
Genome position (GRCh38, 1-based): chr2:237,388,133, C deleted on the plus strand (G on the coding strand, the reverse complement: COL6A3 is on the minus strand); the first of 2 consecutive C bases (chr2:237,388,133-237,388,134); deleting either gives the same sequence. VCF-style (leftmost placement, unchanged base first): chr2-237388132-TC-T. GRCh37 (hg19) VCF-style: chr2-238296775-TC-T.
Other names: c.761del (NM_004369.3); c.761delG (NM_004369.3); c.143del, p.Gly48fs (NM_057165.5, NM_057167.4); c.92-6634del (NM_057166.5, NM_057164.5); short protein forms G254fs, G48fs.
Identifiers: ClinVar variation 286745 (VCV000286745.54), dbSNP rs780921503, ClinGen allele CA2189782.